The following is an entry in ClinVar:

NM_014271.4(IL1RAPL1):c.703+1G>A

Gene: IL1RAPL1 (interleukin 1 receptor accessory protein like 1; plus strand). Cytogenetic location: Xp21.2.
Variant type: single nucleotide variant.
Coding change: c.703+1G>A on transcript NM_014271.4 (MANE Select); the canonical splice donor site of the intron after coding-DNA position 703, G replaced by A.
Molecular consequence: splice donor variant.
Genome position (GRCh38, 1-based): chrX:29,399,309, G>A. VCF-style: chrX-29399309-G-A. GRCh37 (hg19) VCF-style: chrX-29417426-G-A.
Identifiers: ClinVar variation 280601 (VCV000280601.2), dbSNP rs886041775, ClinGen allele CA10603474.

ClinVar aggregate classification (germline): Pathogenic (1 of 4 stars; one submission).

Submission:

GeneDx
Classification: Pathogenic. Last evaluated: 2016-05-12. Review status: criteria provided, single submitter. Criteria: GeneDx Variant Classification (06012015). Collection method: clinical testing. Allele origin: germline. Affected: yes.
Comment: The c.703+1G>A pathogenic variant in the IL1RAPL1 gene has not been reported previously as a pathogenic variant nor as a benign variant, to our knowledge. This splice site variant destroys the canonical splice donor site in intron 5. It is predicted to cause abnormal gene splicing, either leading to an abnormal message that is subject to nonsense-mediated mRNA decay, or to an abnormal protein product if the message is used for protein translation. The c.703+1G>A variant was not observed in approximately 6,500 individuals of European and African American ancestry in the NHLBI Exome Sequencing Project, indicating it is not a common benign variant in these populations. We interpret c.703+1G>A as a pathogenic variant